The following is an entry in ClinVar:

NM_020632.3(ATP6V0A4):c.1321A>T (p.Ile441Phe)

Gene: ATP6V0A4 (ATPase H+ transporting V0 subunit a4; minus strand). Cytogenetic location: 7q34.
Variant type: single nucleotide variant.
Coding change: c.1321A>T on transcript NM_020632.3 (MANE Select); coding-DNA position 1321, A replaced by T.
Protein change: p.Ile441Phe; replaces isoleucine 441 with phenylalanine.
Molecular consequence: missense variant.
Genome position (GRCh38, 1-based): chr7:138,745,280, T>A on the plus strand (A>T on the coding strand, the complement: ATP6V0A4 is on the minus strand). VCF-style: chr7-138745280-T-A. GRCh37 (hg19) VCF-style: chr7-138430025-T-A.
Other names: c.1321A>T, p.Ile441Phe (NM_130840.3, NM_130841.3); short protein forms I441F.
Identifiers: ClinVar variation 1937818 (VCV001937818.6), dbSNP rs761872689, ClinGen allele CA4504798.
Genomic context (GRCh38, chr7:138,745,280, plus strand): 5'-AGATGGAGAAGATGCCCATAAGTAGGATCAGATAGCGCCCGTGGAAGAAGGTGTTCCAAA[T>A]CTGGCCTCAGAGAGACAGAGAGGATGATTGTCAGTGGGCTCTGAAGCAGACCCCAGAGGG-3'
Protein context (NP_065683.2, residues 431-451): RLLSQKTDNE[Ile441Phe]WNTFFHGRYL

ClinVar aggregate classification (germline): Uncertain significance. Review status: criteria provided, multiple submitters, no conflicts (2 of 4 stars). 2 submissions from 2 submitters: Uncertain significance (2). Last evaluated 2024-01-05.

Conditions:
Renal tubular acidosis, distal, 3, with or without sensorineural hearing loss (DRTA3). Identifiers: MedGen C5399980, MONDO:0011268, OMIM 602722.

Allele frequency attached by ClinVar (database versions not stated): ExAC 0.00001; gnomAD 0.00001; gnomAD exomes 0.00003.
gnomAD v4.1: 39 of 1,613,880 alleles (0.0024%); highest among the groups gnomAD compares: Non-Finnish European, 0.0031%; no homozygotes.

Submissions (2):

Fulgent Genetics
Classification: Uncertain significance for Renal tubular acidosis, distal, 3, with or without sensorineural hearing loss. Last evaluated: 2024-01-05. Review status: criteria provided, single submitter. Criteria: ACMG Guidelines, 2015. Collection method: clinical testing. Allele origin: germline.

Labcorp Genetics (formerly Invitae), Labcorp
Classification: Uncertain significance. Last evaluated: 2022-06-08. Review status: criteria provided, single submitter. Criteria: Invitae Variant Classification Sherloc (09022015). Collection method: clinical testing. Allele origin: germline.
Comment: This sequence change replaces isoleucine, which is neutral and non-polar, with phenylalanine, which is neutral and non-polar, at codon 441 of the ATP6V0A4 protein (p.Ile441Phe). This variant is present in population databases (rs761872689, gnomAD 0.004%). This variant has not been reported in the literature in individuals affected with ATP6V0A4-related conditions. Algorithms developed to predict the effect of missense changes on protein structure and function are either unavailable or do not agree on the potential impact of this missense change (SIFT: "Deleterious"; PolyPhen-2: "Possibly Damaging"; Align-GVGD: "Class C0"). Algorithms developed to predict the effect of sequence changes on RNA splicing suggest that this variant may disrupt the consensus splice site. In summary, the available evidence is currently insufficient to determine the role of this variant in disease. Therefore, it has been classified as a Variant of Uncertain Significance.